The following is an entry in ClinVar:

ClinVar aggregate classification (germline): Pathogenic (1 of 4 stars; one submission).

Conditions:
Polycystic kidney disease, adult type (PKD1). Also called: POLYCYSTIC KIDNEY DISEASE 1 WITH OR WITHOUT POLYCYSTIC LIVER DISEASE; POLYCYSTIC KIDNEY DISEASE, ADULT, TYPE I; Polycystic Kidney Disease 1, Autosomal Dominant; Polycystic kidney disease 1; Polycystic kidney disease 1, severe; Polycystic Kidney, Autosomal Dominant. Identifiers: MedGen C3149841, MONDO:0008263, OMIM 173900.

Submission:

Pars Genome Lab
Classification: Pathogenic for Polycystic kidney disease, adult type. Last evaluated: 2021-07-26. Review status: criteria provided, single submitter. Criteria: ACMG Guidelines, 2015. Collection method: clinical testing. Allele origin: germline. Inheritance: Autosomal dominant inheritance. Affected: yes.

NM_001009944.3(PKD1):c.1202-2A>G

Gene: PKD1 (polycystin 1, transient receptor potential channel interacting; minus strand). Cytogenetic location: 16p13.3.
Variant type: single nucleotide variant.
Coding change: c.1202-2A>G on transcript NM_001009944.3 (MANE Select); the canonical splice acceptor site of the intron before coding-DNA position 1202, A replaced by G.
Molecular consequence: splice acceptor variant.
Genome position (GRCh38, 1-based): chr16:2,117,674, T>C on the plus strand (A>G on the coding strand, the complement: PKD1 is on the minus strand). VCF-style: chr16-2117674-T-C. GRCh37 (hg19) VCF-style: chr16-2167675-T-C.
Other names: c.1202-2A>G (NM_000296.4).
Identifiers: ClinVar variation 1184624 (VCV001184624.2), dbSNP rs2092662592, ClinGen allele CA394392916.